The following is an entry in ClinVar:

NM_000059.4(BRCA2):c.8954-2A>G

Gene: BRCA2 (BRCA2 DNA repair associated; plus strand). Cytogenetic location: 13q13.1.
Variant type: single nucleotide variant.
Coding change: c.8954-2A>G on transcript NM_000059.4 (MANE Select); the canonical splice acceptor site of the intron before coding-DNA position 8954, A replaced by G.
Molecular consequence: splice acceptor variant. On other transcripts: intron variant (1).
Genome position (GRCh38, 1-based): chr13:32,379,748, A>G. VCF-style: chr13-32379748-A-G. GRCh37 (hg19) VCF-style: chr13-32953885-A-G.
Other names: c.8954-53A>G (NM_001406720.1); c.8858-2A>G (NM_001406719.1); c.4022-2A>G (NM_001406721.1); c.2537-2A>G (NM_001406722.1); c.8954-2A>G (NM_000059.3).
Identifiers: ClinVar variation 1325641 (VCV001325641.11), dbSNP rs1135401928, ClinGen allele CA387757352.

ClinVar aggregate classification (germline): Pathogenic/Likely pathogenic. Review status: criteria provided, multiple submitters, no conflicts (2 of 4 stars). 3 submissions from 3 submitters: Pathogenic (1); Likely pathogenic (2). Last evaluated 2022-09-30.

Conditions:
Hereditary cancer-predisposing syndrome. Also called: Hereditary Cancer Syndrome; Tumor predisposition; Neoplastic Syndromes, Hereditary; Hereditary neoplastic syndrome. Identifiers: Orphanet 140162, MedGen C0027672, MeSH D009386, MONDO:0015356.
Hereditary breast ovarian cancer syndrome. Also called: Hereditary breast and ovarian cancer syndrome; Hereditary breast and ovarian cancer; Hereditary breast and ovarian cancer syndrome (HBOC); BRCA1- and BRCA2-Associated Hereditary Breast and Ovarian Cancer; Hereditary breast and/or ovarian cancer syndrome; Breast and ovarian cancer. Identifiers: Orphanet 145, MedGen C0677776, MeSH D061325, MONDO:0003582. Disease mechanism: loss of function.

Submissions (3):

Labcorp Genetics (formerly Invitae), Labcorp
Classification: Likely pathogenic for Hereditary breast ovarian cancer syndrome. Last evaluated: 2022-09-30. Review status: criteria provided, single submitter. Criteria: Invitae Variant Classification Sherloc (09022015). Collection method: clinical testing. Allele origin: germline.
Comment: Disruption of this splice site has been observed in individual(s) with breast and/or ovarian cancer (PMID: 28692638, 31343793, 31825140). This sequence change affects an acceptor splice site in intron 22 of the BRCA2 gene. It is expected to disrupt RNA splicing. Variants that disrupt the donor or acceptor splice site typically lead to a loss of protein function (PMID: 16199547), and loss-of-function variants in BRCA2 are known to be pathogenic (PMID: 20104584). This variant is not present in population databases (gnomAD no frequency). ClinVar contains an entry for this variant (Variation ID: 1325641). Studies have shown that disruption of this splice site alters BRCA2 gene expression (PMID: 31343793). Studies have shown that disruption of this splice site is associated with altered splicing resulting in multiple RNA products (PMID: 31343793; Invitae). In summary, the currently available evidence indicates that the variant is pathogenic, but additional data are needed to prove that conclusively. Therefore, this variant has been classified as Likely Pathogenic.

National Health Laboratory Service, Universitas Academic Hospital and University of the Free State
Classification: Pathogenic for Hereditary breast ovarian cancer syndrome. Last evaluated: 2022-04-19. Review status: criteria provided, single submitter. Criteria: ACMG Guidelines, 2015. Collection method: clinical testing. Allele origin: germline. Affected: yes. Observed: 2 variant alleles.

Sema4
Classification: Likely pathogenic for Hereditary cancer-predisposing syndrome. Last evaluated: 2021-03-02. Review status: criteria provided, single submitter. Criteria: Sema4 Curation Guidelines. Collection method: curation. Allele origin: germline.
Comment: The BRCA2 c.8954-2A>G variant has been reported in heterozygosity in at least one individual with ovarian cancer (PMID: 28692638). This variant affects a nucleotide within a consensus splice site of an intron, which destroys the canonical splice acceptor site of the intron 22. It is predicted to cause abnormal gene splicing or frameshift, leading to an abnormal or absent protein. This variant is not reported in the Genome Aggregation Database (PMID: 32461654). Based on the current evidence available, this variant is interpreted as likely pathogenic.

Literature cited by the submitters: PubMed 28692638 (cited by Labcorp Genetics (formerly Invitae), Labcorp and Sema4); PubMed 31343793 (cited by Labcorp Genetics (formerly Invitae), Labcorp); PubMed 31825140 (cited by Labcorp Genetics (formerly Invitae), Labcorp); PubMed 16199547 (cited by Labcorp Genetics (formerly Invitae), Labcorp); PubMed 20104584 (cited by Labcorp Genetics (formerly Invitae), Labcorp); DOI 10.3389/fgene.2022.834265 (cited by National Health Laboratory Service, Universitas Academic Hospital and University of the Free State).